The following is an entry in ClinVar:

NM_024408.4(NOTCH2):c.2542T>G (p.Cys848Gly)

Gene: NOTCH2 (notch receptor 2; minus strand). Cytogenetic location: 1p12.
Variant type: single nucleotide variant.
Coding change: c.2542T>G on transcript NM_024408.4 (MANE Select); coding-DNA position 2542, T replaced by G.
Protein change: p.Cys848Gly; replaces cysteine 848 with glycine.
Molecular consequence: missense variant.
Genome position (GRCh38, 1-based): chr1:119,949,064, A>C on the plus strand (T>G on the coding strand, the complement: NOTCH2 is on the minus strand). VCF-style: chr1-119949064-A-C. GRCh37 (hg19) VCF-style: chr1-120491687-A-C.
Other names: c.2542T>G, p.Cys848Gly (NM_001200001.2); short protein forms C848G.
Identifiers: ClinVar variation 4875052 (VCV004875052.2).

ClinVar aggregate classification (germline): Uncertain significance (1 of 4 stars; one submission).

Submission:

CeGaT Center for Human Genetics Tuebingen
Classification: Uncertain significance. Last evaluated: 2026-05-01. Review status: criteria provided, single submitter. Criteria: CeGaT Center For Human Genetics Tuebingen Variant Classification Criteria Version 2. Collection method: clinical testing. Allele origin: germline. Affected: yes. Observed: 1 variant allele.
Comment: NOTCH2: PM2